The following is an entry in ClinVar:

NM_172351.3(CD46):c.509dup (p.Asn170fs)

Gene: CD46 (CD46 molecule; plus strand). Cytogenetic location: 1q32.2.
Variant type: Duplication.
Coding change: c.509dup on transcript NM_172351.3 (MANE Select); coding-DNA position 509, one base duplicated (A; older notation c.509dupA).
Protein change: p.Asn170fs; shifts the reading frame from asparagine 170.
Molecular consequence: frameshift variant.
Genome position (GRCh38, 1-based): chr1:207,761,282, A duplicated; the last of 6 consecutive A bases (chr1:207,761,277-207,761,282); duplicating any one gives the same sequence. VCF-style (leftmost placement, unchanged base first): chr1-207761276-T-TA. GRCh37 (hg19) VCF-style: chr1-207934621-T-TA.
Other names: c.509dup, p.Asn170fs (NM_002389.4, NM_153826.4, NM_172350.3 and 8 more transcripts); short protein forms N170fs.
Identifiers: ClinVar variation 4291158 (VCV004291158.1).

ClinVar aggregate classification (germline): Likely pathogenic, low penetrance (1 of 4 stars; one submission).

Conditions:
Atypical hemolytic-uremic syndrome. Identifiers: Orphanet 2134, MedGen C2931788, MONDO:0016244.

Submission:

Genomenon, Inc
Classification: Likely pathogenic, low penetrance for Atypical hemolytic-uremic syndrome. Last evaluated: 2025-10-02. Review status: criteria provided, single submitter. Criteria: Genomenon Sequence Variant Interpretation Standards. Collection method: curation. Allele origin: germline. Affected: no.
Comment: CD46 p.Asn170LysfsTer7 (c.509dup) is a frameshift variant that results in the production of a truncated protein which is predicted to undergo nonsense-mediated mRNA decay. This variant has been reported in the published literature (PMID:30674459). It is absent or not present at a significant frequency in gnomAD. In conclusion, we classify CD46 p.Asn170LysfsTer7 (c.509dup) as a likely pathogenic variant.

Literature cited by the submitters: PubMed 30674459.